The following is an entry in ClinVar:

ClinVar aggregate classification (germline): Uncertain significance (1 of 4 stars; one submission).

Conditions:
Hyperaldosteronism, familial, type IV (HALD4). Also called: FH IV; ALDOSTERONISM, PRIMARY, AND HYPERTENSION. Identifiers: Orphanet 642671, MedGen C4310756, MONDO:0014875, OMIM 617027.
Idiopathic generalized epilepsy. Also called: EIG; Generalised epilepsy. Identifiers: MedGen C0270850, MONDO:0005579, OMIM 600669.

Allele frequency attached by ClinVar (database versions not stated): TOPMed 0.00002.
gnomAD v4.1: 18 of 1,609,328 alleles (0.0011%); highest among the groups gnomAD compares: Non-Finnish European, 0.0014%; no homozygotes.

Submission:

Labcorp Genetics (formerly Invitae), Labcorp
Classification: Uncertain significance for Idiopathic generalized epilepsy; Hyperaldosteronism, familial, type IV. Last evaluated: 2024-02-17. Review status: criteria provided, single submitter. Criteria: Invitae Variant Classification Sherloc (09022015). Collection method: clinical testing. Allele origin: germline.
Comment: This sequence change replaces arginine, which is basic and polar, with serine, which is neutral and polar, at codon 2250 of the CACNA1H protein (p.Arg2250Ser). This variant is not present in population databases (gnomAD no frequency). This variant has not been reported in the literature in individuals affected with CACNA1H-related conditions. ClinVar contains an entry for this variant (Variation ID: 460177). Advanced modeling of protein sequence and biophysical properties (such as structural, functional, and spatial information, amino acid conservation, physicochemical variation, residue mobility, and thermodynamic stability) performed at Invitae indicates that this missense variant is not expected to disrupt CACNA1H protein function with a negative predictive value of 95%. In summary, the available evidence is currently insufficient to determine the role of this variant in disease. Therefore, it has been classified as a Variant of Uncertain Significance.

NM_021098.3(CACNA1H):c.6748C>A (p.Arg2250Ser)

Gene: CACNA1H (calcium voltage-gated channel subunit alpha1 H; plus strand). Cytogenetic location: 16p13.3.
Variant type: single nucleotide variant.
Coding change: c.6748C>A on transcript NM_021098.3 (MANE Select); coding-DNA position 6748, C replaced by A.
Protein change: p.Arg2250Ser; replaces arginine 2250 with serine.
Molecular consequence: missense variant.
Genome position (GRCh38, 1-based): chr16:1,220,680, C>A. VCF-style: chr16-1220680-C-A. GRCh37 (hg19) VCF-style: chr16-1270680-C-A.
Other names: c.6730C>A, p.Arg2244Ser (NM_001005407.2); short protein forms R2250S, R2244S.
Identifiers: ClinVar variation 460177 (VCV000460177.8), dbSNP rs375586314, ClinGen allele CA394150456.